The following is an entry in ClinVar:

NM_000061.3(BTK):c.1282G>C (p.Ala428Pro)

Gene: BTK (Bruton tyrosine kinase; minus strand). Cytogenetic location: Xq22.1.
Variant type: single nucleotide variant.
Coding change: c.1282G>C on transcript NM_000061.3 (MANE Select); coding-DNA position 1282, G replaced by C.
Protein change: p.Ala428Pro; replaces alanine 428 with proline.
Molecular consequence: missense variant. On other transcripts: intron variant (1).
Genome position (GRCh38, 1-based): chrX:101,356,851, C>G on the plus strand (G>C on the coding strand, the complement: BTK is on the minus strand). VCF-style: chrX-101356851-C-G. GRCh37 (hg19) VCF-style: chrX-100611839-C-G.
Other names: c.1384G>C, p.Ala462Pro (NM_001287344.2); c.1038+1523G>C (NM_001287345.2); short protein forms A428P, A462P.
Identifiers: ClinVar variation 2865749 (VCV002865749.3), dbSNP rs2147428229, ClinGen allele CA413925085.

ClinVar aggregate classification (germline): Uncertain significance (1 of 4 stars; one submission).

Conditions:
X-linked agammaglobulinemia with growth hormone deficiency (IGHD3). Also called: FLEISHER SYNDROME; HYPOGAMMAGLOBULINEMIA AND ISOLATED GROWTH HORMONE DEFICIENCY, X-LINKED; IGHD III; ISOLATED GROWTH HORMONE DEFICIENCY, TYPE III, WITH AGAMMAGLOBULINEMIA; AGAMMAGLOBULINEMIA AND ISOLATED GROWTH HORMONE DEFICIENCY, X-LINKED; Isolated growth hormone deficiency type 3. Identifiers: Orphanet 231692, Orphanet 631, MedGen C0472813, MONDO:0010615, OMIM 307200.

Submission:

Labcorp Genetics (formerly Invitae), Labcorp
Classification: Uncertain significance for X-linked agammaglobulinemia with growth hormone deficiency. Last evaluated: 2023-05-19. Review status: criteria provided, single submitter. Criteria: Invitae Variant Classification Sherloc (09022015). Collection method: clinical testing. Allele origin: germline.
Comment: In summary, the available evidence is currently insufficient to determine the role of this variant in disease. Therefore, it has been classified as a Variant of Uncertain Significance. Advanced modeling of protein sequence and biophysical properties (such as structural, functional, and spatial information, amino acid conservation, physicochemical variation, residue mobility, and thermodynamic stability) performed at Invitae indicates that this missense variant is expected to disrupt BTK protein function. This variant has not been reported in the literature in individuals affected with BTK-related conditions. This variant is not present in population databases (gnomAD no frequency). This sequence change replaces alanine, which is neutral and non-polar, with proline, which is neutral and non-polar, at codon 428 of the BTK protein (p.Ala428Pro).